The following is an entry in ClinVar:

NM_001012759.3(CTU2):c.860_861insAGGAA (p.Ala288fs)

Gene: CTU2 (cytosolic thiouridylase subunit 2; plus strand). Cytogenetic location: 16q24.3.
Variant type: Insertion.
Coding change: c.860_861insAGGAA on transcript NM_001012759.3 (MANE Select); coding-DNA positions 860 to 861, AGGAA inserted.
Protein change: p.Ala288fs; shifts the reading frame from alanine 288.
Molecular consequence: frameshift variant.
Genome position: GRCh38 VCF-style: chr16-88713434-T-TAGGAA. GRCh37 (hg19) VCF-style: chr16-88779842-T-TAGGAA.
Other names: c.860_861insAGGAA, p.Ala288fs (NM_001012762.3); c.1073_1074insAGGAA, p.Ala359fs (NM_001318507.2); c.599_600insAGGAA, p.Ala201fs (NM_001318513.2); short protein forms A201fs, A288fs, A359fs.
Identifiers: ClinVar variation 5043305 (VCV005043305.1).

ClinVar aggregate classification (germline): Pathogenic (1 of 4 stars; one submission).

Conditions:
Fetal anomalies with a likely genetic cause.

Submission:

Genetics Laboratory, Great Ormond Street Hospital NHS Foundation Trust, North Thames Genomic Laboratory Hub
Classification: Pathogenic for Fetal anomalies with a likely genetic cause. Last evaluated: 2026-09-17. Review status: criteria provided, single submitter. Criteria: ACGS Best Practice Guidelines for Variant Classification in Rare Disease 2024 v1.2. Collection method: clinical testing. Allele origin: germline. Affected: yes.
Comment: PM2_moderate, PVS1_very-strong